The following is an entry in ClinVar:

NM_006245.4(PPP2R5D):c.1573C>T (p.Pro525Ser)

Gene: PPP2R5D (protein phosphatase 2 regulatory subunit B'delta; plus strand). Cytogenetic location: 6p21.1.
Variant type: single nucleotide variant.
Coding change: c.1573C>T on transcript NM_006245.4 (MANE Select); coding-DNA position 1573, C replaced by T.
Protein change: p.Pro525Ser; replaces proline 525 with serine.
Molecular consequence: missense variant.
Genome position (GRCh38, 1-based): chr6:43,010,899, C>T. VCF-style: chr6-43010899-C-T. GRCh37 (hg19) VCF-style: chr6-42978637-C-T.
Other names: c.1255C>T, p.Pro419Ser (NM_180977.3); c.1573C>T (NM_006245.2); c.1120C>T, p.Pro374Ser (NM_001270476.2); c.1477C>T, p.Pro493Ser (NM_180976.3); short protein forms P374S, P419S, P493S, P525S.
Identifiers: ClinVar variation 1254803 (VCV001254803.12), dbSNP rs767996020, ClinGen allele CA3812114.
Genomic context (GRCh38, chr6:43,010,899, plus strand): 5'-TCTGAAGTGGCTCTTAACGCTTGTCCATGTCTCCTCACTCAGTATCCCATGTTCCGAGCC[C>T]CTCCACCACTGCCCCCTGTGTACTCGATGGAGACAGAGACCCCCACAGCTGAGGACATCC-3'
Protein context (NP_006236.1, residues 515-535): LNPQYPMFRA[Pro525Ser]PPLPPVYSME

ClinVar aggregate classification (germline): Conflicting classifications of pathogenicity. Review status: criteria provided, conflicting classifications (1 of 4 stars). 4 submissions from 4 submitters: Uncertain significance (1); Likely benign (3). Last evaluated 2026-08-01.

Conditions:
Inborn genetic diseases. Identifiers: MedGen C0950123, MeSH D030342.

Allele frequency attached by ClinVar (database versions not stated): gnomAD 0.00011 and 0.00013.

Submissions (4):

CeGaT Center for Human Genetics Tuebingen
Classification: Likely benign. Last evaluated: 2026-08-01. Review status: criteria provided, single submitter. Criteria: CeGaT Center For Human Genetics Tuebingen Variant Classification Criteria Version 2. Collection method: clinical testing. Allele origin: germline. Affected: yes. Observed: 1 variant allele.
Comment: PPP2R5D: BP4

Labcorp Genetics (formerly Invitae), Labcorp
Classification: Uncertain significance. Last evaluated: 2025-10-15. Review status: criteria provided, single submitter. Criteria: Invitae Variant Classification Sherloc (09022015). Collection method: clinical testing. Allele origin: germline.
Comment: This sequence change replaces proline, which is neutral and non-polar, with serine, which is neutral and polar, at codon 525 of the PPP2R5D protein (p.Pro525Ser). This variant is present in population databases (rs767996020, gnomAD 0.07%), and has an allele count higher than expected for a pathogenic variant. This variant has not been reported in the literature in individuals affected with PPP2R5D-related conditions. ClinVar contains an entry for this variant (Variation ID: 1254803). An algorithm developed to predict the effect of missense changes on protein structure and function (PolyPhen-2) suggests that this variant is likely to be tolerated. In summary, the available evidence is currently insufficient to determine the role of this variant in disease. Therefore, it has been classified as a Variant of Uncertain Significance.

Ambry Genetics
Classification: Likely benign for Inborn genetic diseases. Last evaluated: 2025-06-24. Review status: criteria provided, single submitter. Criteria: Ambry Variant Classification Scheme 2023. Collection method: clinical testing. Allele origin: germline.

GeneDx
Classification: Likely benign. Last evaluated: 2021-01-27. Review status: criteria provided, single submitter. Criteria: GeneDx Variant Classification Process June 2021. Collection method: clinical testing. Allele origin: germline. Affected: yes.
Comment: Has not been previously published as pathogenic or benign to our knowledge